The following is an entry in ClinVar:

NM_001079872.2(CUL4B):c.95C>T (p.Pro32Leu)

Genes: CUL4B (cullin 4B; minus strand), LOC113845788 (Sharpr-MPRA regulatory region 11856; plus strand). Cytogenetic location: Xq24.
Variant type: single nucleotide variant.
Coding change: c.95C>T on transcript NM_001079872.2 (MANE Select); coding-DNA position 95, C replaced by T.
Protein change: p.Pro32Leu; replaces proline 32 with leucine.
Molecular consequence: missense variant.
Genome position (GRCh38, 1-based): chrX:120,560,544, G>A on the plus strand (C>T on the coding strand, the complement: CUL4B is on the minus strand). VCF-style: chrX-120560544-G-A. GRCh37 (hg19) VCF-style: chrX-119694399-G-A.
Other names: c.110C>T, p.Pro37Leu (NM_001330624.2); c.149C>T, p.Pro50Leu (NM_003588.4); short protein forms P50L, P32L, P37L.
Identifiers: ClinVar variation 208797 (VCV000208797.5), dbSNP rs869320682, ClinGen allele CA358848.
Genomic context (GRCh38, chrX:120,560,544, plus strand): 5'-CTACTGTTACTGCTGCTACTGCTGCTGCTGTTTAACTTTCTCTTCTTGGCAGAGGTGGGC[G>A]GAGTGGTGCTGGTATTACCATCAGTGGCAGATCTGACCTCCTGAGCAGCAGCAGCAGCTG-3'
Protein context (NP_001073341.1, residues 22-42): SATDGNTSTT[Pro32Leu]PTSAKKRKLN

ClinVar aggregate classification (germline): Conflicting classifications of pathogenicity. Review status: no assertion criteria provided (0 of 4 stars). 3 submissions from 3 submitters: Pathogenic (1); Uncertain significance (1); Likely benign (1). Last evaluated 2024-10-02.

Conditions:
CUL4B-related disorder. Also called: CUL4B-related condition.
X-linked intellectual disability Cabezas type (MRXSC). Also called: CABEZAS SYNDROME; Intellectual developmental disorder, X-linked syndromic, Cabezas type; MENTAL RETARDATION, X-LINKED, SYNDROMIC 15. Identifiers: Orphanet 85289, Orphanet 85293, MedGen C1845861, MONDO:0010306, OMIM 300354.

Allele frequency attached by ClinVar (database versions not stated): TOPMed below 0.00001; gnomAD 0.00001.
gnomAD v4.1: 2 of 1,206,671 alleles (0.00017%); highest among the groups gnomAD compares: African/African-American, 0.0018%; no homozygotes.

Submissions (3):

Service de Génétique Moléculaire, Hôpital Robert Debré
Classification: Likely benign for X-linked intellectual disability Cabezas type. Last evaluated: 2024-10-02. Review status: no assertion criteria provided. Collection method: clinical testing. Allele origin: unknown. Affected: yes.

PreventionGenetics, part of Exact Sciences
Classification: Uncertain significance for CUL4B-related condition. Last evaluated: 2023-10-31. Review status: no assertion criteria provided. Collection method: clinical testing. Allele origin: germline.
Comment: The CUL4B c.149C>T variant is predicted to result in the amino acid substitution p.Pro50Leu. This variant was reported in two male siblings with cerebral malformations (Family 10, Vulto-van Silfhout et al. 2015. PubMed ID: 25385192). Functional studies showed that this variant does not alter protein stability or subcellular localization (Vulto-van Silfhout et al. 2015. PubMed ID: 25385192); however, a recent study suggested that this variant may alter mitotic-specific phosphorylation and impact protein-protein interaction. This variant has not been reported in a large population database, indicating this variant is rare. Although we suspect that this variant may be pathogenic, at this time, the clinical significance of this variant is uncertain due to the absence of conclusive functional and genetic evidence.

OMIM
Classification: Pathogenic for INTELLECTUAL DEVELOPMENTAL DISORDER, X-LINKED, SYNDROMIC, CABEZAS TYPE. Last evaluated: 2015-01-01. Review status: no assertion criteria provided. Collection method: literature only. Allele origin: germline.

Literature cited by the submitters: PubMed 25385192 (cited by OMIM).